The following is an entry in ClinVar:

ClinVar aggregate classification (germline): Uncertain significance (1 of 4 stars; one submission).

Conditions:
Autosomal recessive distal spinal muscular atrophy 2. Also called: NEURONOPATHY, DISTAL HEREDITARY MOTOR, JERASH TYPE; NEUROPATHY, DISTAL HEREDITARY MOTOR, JERASH TYPE; SPINAL MUSCULAR ATROPHY, JERASH TYPE; NEUROPATHY, DISTAL HEREDITARY MOTOR, AUTOSOMAL RECESSIVE 2; Hereditary motor neuropathy, Jerash type; Motor neuropathy, distal, Jerash type. Identifiers: Orphanet 139552, MedGen C1854023, MONDO:0011585, OMIM 605726.
Amyotrophic lateral sclerosis type 16. Also called: AMYOTROPHIC LATERAL SCLEROSIS 16, JUVENILE. Identifiers: Orphanet 300605, MedGen C3280587, MONDO:0013715, OMIM 614373.

Allele frequency attached by ClinVar (database versions not stated): gnomAD exomes 0.00001.
gnomAD v4.1: 19 of 1,561,012 alleles (0.0012%); highest among the groups gnomAD compares: Non-Finnish European, 0.0016%; no homozygotes.

Submission:

Labcorp Genetics (formerly Invitae), Labcorp
Classification: Uncertain significance for Autosomal recessive distal spinal muscular atrophy 2; Amyotrophic lateral sclerosis type 16. Last evaluated: 2019-04-26. Review status: criteria provided, single submitter. Criteria: Invitae Variant Classification Sherloc (09022015). Collection method: clinical testing. Allele origin: germline.
Comment: This sequence change replaces glutamine with proline at codon 33 of the SIGMAR1 protein (p.Gln33Pro). The glutamine residue is moderately conserved and there is a moderate physicochemical difference between glutamine and proline. This variant is not present in population databases (ExAC no frequency). This variant has not been reported in the literature in individuals with SIGMAR1-related conditions. Algorithms developed to predict the effect of missense changes on protein structure and function (SIFT, PolyPhen-2, Align-GVGD) all suggest that this variant is likely to be tolerated, but these predictions have not been confirmed by published functional studies and their clinical significance is uncertain. In summary, the available evidence is currently insufficient to determine the role of this variant in disease. Therefore, it has been classified as a Variant of Uncertain Significance.

NM_005866.4(SIGMAR1):c.98A>C (p.Gln33Pro)

Genes: SIGMAR1 (sigma receptor chaperone 1; minus strand), LOC130001681 (ATAC-STARR-seq lymphoblastoid silent region 19853; plus strand). Cytogenetic location: 9p13.3.
Variant type: single nucleotide variant.
Coding change: c.98A>C on transcript NM_005866.4 (MANE Select); coding-DNA position 98, A replaced by C.
Protein change: p.Gln33Pro; replaces glutamine 33 with proline.
Molecular consequence: missense variant. On other transcripts: 5 prime UTR variant (1), non-coding transcript variant (1), intron variant (1).
Genome position (GRCh38, 1-based): chr9:34,637,600, T>G on the plus strand (A>C on the coding strand, the complement: SIGMAR1 is on the minus strand). VCF-style: chr9-34637600-T-G. GRCh37 (hg19) VCF-style: chr9-34637597-T-G.
Other names: c.98A>C, p.Gln33Pro (NM_001282205.2, NM_001282208.2, NM_001282209.2 and 1 more transcripts); c.-156A>C (NM_001282206.2); c.91+7A>C (NM_001282207.2); short protein forms Q33P.
Identifiers: ClinVar variation 946896 (VCV000946896.8), dbSNP rs1254998914, ClinGen allele CA373275575.
Genomic context (GRCh38, chr9:34,637,600, plus strand): 5'-CGCTCACCAGCGTACTGCCGCGCCAACTGCGCTATCTCTTCGCGCTGGAAGACGAAGCTC[T>G]GCGTACCCAGCCAGAGCCAGACGACCTGGGTCAGCACCGCTGCGACAGCCAGGAGCAGCG-3'
Protein context (NP_005857.1, residues 23-43): TQVVWLWLGT[Gln33Pro]SFVFQREEIA